The following is an entry in ClinVar:

NM_000222.3(KIT):c.2881G>T (p.Gly961Cys)

Gene: KIT (KIT proto-oncogene, receptor tyrosine kinase; plus strand). Cytogenetic location: 4q12.
Variant type: single nucleotide variant.
Coding change: c.2881G>T on transcript NM_000222.3 (MANE Select); coding-DNA position 2881, G replaced by T.
Protein change: p.Gly961Cys; replaces glycine 961 with cysteine.
Molecular consequence: missense variant.
Genome position (GRCh38, 1-based): chr4:54,738,507, G>T. VCF-style: chr4-54738507-G-T. GRCh37 (hg19) VCF-style: chr4-55604673-G-T.
Other names: c.2869G>T, p.Gly957Cys (NM_001093772.2, NM_001385292.1); c.2884G>T, p.Gly962Cys (NM_001385284.1); c.2878G>T, p.Gly960Cys (NM_001385285.1); c.2866G>T, p.Gly956Cys (NM_001385286.1); c.2872G>T, p.Gly958Cys (NM_001385288.1); c.2881G>T, p.Gly961Cys (NM_001385290.1); short protein forms G957C, G961C, G956C, G958C, G960C, G962C.
Identifiers: ClinVar variation 852188 (VCV000852188.16), dbSNP rs773828910, ClinGen allele CA356916389.

ClinVar aggregate classification (germline): Uncertain significance (1 of 4 stars; one submission).

Conditions:
Gastrointestinal stromal tumor. Also called: Gastrointestinal stromal tumor, somatic; Gastrointestinal stroma tumor. Identifiers: Orphanet 44890, MedGen C0238198, MeSH D046152, MONDO:0011719, OMIM 606764, HP:0100723.

Submission:

Labcorp Genetics (formerly Invitae), Labcorp
Classification: Uncertain significance for Gastrointestinal stromal tumor. Last evaluated: 2023-07-07. Review status: criteria provided, single submitter. Criteria: Invitae Variant Classification Sherloc (09022015). Collection method: clinical testing. Allele origin: germline.
Comment: ClinVar contains an entry for this variant (Variation ID: 852188). This sequence change replaces glycine, which is neutral and non-polar, with cysteine, which is neutral and slightly polar, at codon 961 of the KIT protein (p.Gly961Cys). This variant is not present in population databases (gnomAD no frequency). This variant has not been reported in the literature in individuals affected with KIT-related conditions. An algorithm developed to predict the effect of missense changes on protein structure and function (PolyPhen-2) suggests that this variant is likely to be disruptive. In summary, the available evidence is currently insufficient to determine the role of this variant in disease. Therefore, it has been classified as a Variant of Uncertain Significance.